The following is an entry in ClinVar:

ClinVar aggregate classification (germline): Uncertain significance (1 of 4 stars; one submission).

Submission:

Labcorp Genetics (formerly Invitae), Labcorp
Classification: Uncertain significance. Last evaluated: 2022-07-25. Review status: criteria provided, single submitter. Criteria: Invitae Variant Classification Sherloc (09022015). Collection method: clinical testing. Allele origin: germline.
Comment: This sequence change replaces serine, which is neutral and polar, with cysteine, which is neutral and slightly polar, at codon 291 of the ABRAXAS1 protein (p.Ser291Cys). In summary, the available evidence is currently insufficient to determine the role of this variant in disease. Therefore, it has been classified as a Variant of Uncertain Significance. Algorithms developed to predict the effect of missense changes on protein structure and function output the following: SIFT: "Tolerated"; PolyPhen-2: "Benign"; Align-GVGD: "Class C0". The cysteine amino acid residue is found in multiple mammalian species, which suggests that this missense change does not adversely affect protein function. ClinVar contains an entry for this variant (Variation ID: 1364014). This variant has not been reported in the literature in individuals affected with ABRAXAS1-related conditions. This variant is not present in population databases (gnomAD no frequency).

NM_139076.3(ABRAXAS1):c.872C>G (p.Ser291Cys)

Gene: ABRAXAS1 (abraxas 1, BRCA1 A complex subunit; minus strand). Cytogenetic location: 4q21.23.
Variant type: single nucleotide variant.
Coding change: c.872C>G on transcript NM_139076.3 (MANE Select); coding-DNA position 872, C replaced by G.
Protein change: p.Ser291Cys; replaces serine 291 with cysteine.
Molecular consequence: missense variant.
Genome position (GRCh38, 1-based): chr4:83,462,827, G>C on the plus strand (C>G on the coding strand, the complement: ABRAXAS1 is on the minus strand). VCF-style: chr4-83462827-G-C. GRCh37 (hg19) VCF-style: chr4-84383980-G-C.
Other names: c.545C>G, p.Ser182Cys (NM_001345962.2); short protein forms S291C, S182C.
Identifiers: ClinVar variation 1364014 (VCV001364014.8), dbSNP rs2110033282, ClinGen allele CA357256429.